The following is an entry in ClinVar:

NM_017619.4(RNPC3):c.357_358dup (p.Arg120fs)

Gene: RNPC3 (RNA binding region (RNP1, RRM) containing 3; plus strand). Cytogenetic location: 1p21.1.
Variant type: Duplication.
Coding change: c.357_358dup on transcript NM_017619.4 (MANE Select); coding-DNA positions 357 to 358, 2 bases duplicated (AA; older notation c.357_358dupAA).
Protein change: p.Arg120fs; shifts the reading frame from arginine 120.
Molecular consequence: frameshift variant.
Genome position (GRCh38, 1-based): chr1:103,533,855-103,533,856, AA duplicated; duplicating any 2 consecutive bases within chr1:103,533,845-103,533,856 gives the same sequence; the c. name uses the placement nearest the transcript's 3' end. VCF-style (leftmost placement, unchanged base first): chr1-103533844-G-GAA. GRCh37 (hg19) VCF-style: chr1-104076466-G-GAA.
Other names: c.346_347insAA (NM_017619.4); short protein forms R120fs.
Identifiers: ClinVar variation 5042750 (VCV005042750.1).

ClinVar aggregate classification (germline): Pathogenic (1 of 4 stars; one submission).

Conditions:
Isolated growth hormone deficiency, type 5. Also called: PITUITARY HORMONE DEFICIENCY, COMBINED OR ISOLATED, 7. Identifiers: MedGen C4748435, MONDO:0032569, OMIM 618160.

Submission:

Cellular and Molecular Research Center, Cellular and Molecular Medicine Research Institute,, Urmia University of Medical Sciences
Classification: Pathogenic for Isolated growth hormone deficiency, type 5. Last evaluated: 2026-10-18. Review status: criteria provided, single submitter. Criteria: ACMG Guidelines, 2015. Collection method: clinical testing. Allele origin: germline. Inheritance: Autosomal recessive inheritance. Affected: yes. Observed: 1 variant allele, 1 heterozygote.
Comment: The RNPC3 gene encodes the U11/U12-65K protein, a component of the minor spliceosome. This molecular complex is responsible for removing a small group of introns (U12-type introns) from precursor messenger RNA. Normal RNPC3 function is therefore important for accurate RNA processing and pituitary development. The variant c.346_347insAA is a two-nucleotide insertion in the coding sequence, involving the addition of two adenine (A) bases between coding positions 346 and 347. It is therefore a dinucleotide insertion. Because two bases are inserted rather than a multiple of three, it is predicted to cause a frameshift mutation, changing the downstream amino-acid sequence and potentially introducing a premature stop codon. This may result in a truncated or non-functional RNPC3 protein, or degradation of the abnormal transcript through nonsense-mediated decay.Loss of RNPC3 function can destabilize the minor spliceosome and impair the correct splicing of U12-type introns. This may disrupt the expression of genes involved in pituitary development and hormone regulation, leading to growth hormone deficiency, pituitary hypoplasia and severe postnatal growth retardation. The researchers used whole-exome sequencing, confirmed variants by Sanger sequencing and assessed segregation with growth hormone deficiency in the families.

Literature cited by the submitters: DOI 10.1002/emmm.201303573.